The following is an entry in ClinVar:

ClinVar aggregate classification (germline): Likely pathogenic (1 of 4 stars; one submission).

Conditions:
TUB-related disorder. Also called: TUB-related condition.

Submission:

PreventionGenetics, part of Exact Sciences
Classification: Likely pathogenic for TUB-related condition. Last evaluated: 2026-07-22. Review status: criteria provided, single submitter. Criteria: ACMG Guidelines, 2015. Collection method: clinical testing. Allele origin: germline.
Comment: The TUB c.1381-1G>A variant is predicted to disrupt the AG splice acceptor site and interfere with normal splicing. To our knowledge, this variant has not been reported in the literature or in a large population database (gnomAD), indicating this variant is rare. Variants that disrupt the consensus splice acceptor site in TUB are expected to be pathogenic. This variant is interpreted as likely pathogenic.

NM_177972.3(TUB):c.1216-1G>A

Genes: RIC3 (RIC3 acetylcholine receptor chaperone; minus strand), TUB (TUB bipartite transcription factor; plus strand). Cytogenetic location: 11p15.4.
Variant type: single nucleotide variant.
Coding change: c.1216-1G>A on transcript NM_177972.3 (MANE Select); the canonical splice acceptor site of the intron before coding-DNA position 1216, G replaced by A.
Molecular consequence: splice acceptor variant.
Genome position (GRCh38, 1-based): chr11:8,100,825, G>A. VCF-style: chr11-8100825-G-A. GRCh37 (hg19) VCF-style: chr11-8122372-G-A.
Other names: c.1234-1G>A (NM_001440538.1, NM_001440539.1); c.1066-1G>A (NM_001440540.1, NM_001440542.1); c.1381-1G>A (NM_003320.5); c.1048-1G>A (NM_001440541.1).
Identifiers: ClinVar variation 4979748 (VCV004979748.1).